The following is an entry in ClinVar:

NC_000022.11:g.(?_28694022)_(28734731_?)del

Gene: CHEK2 (checkpoint kinase 2; minus strand). Cytogenetic location: 22q12.1.
Variant type: Deletion.
Identifiers: ClinVar variation 641000 (VCV000641000.8).

ClinVar aggregate classification (germline): Pathogenic (1 of 4 stars; one submission).

Conditions:
Familial cancer of breast. Also called: BREAST CANCER, FAMILIAL; hereditary breast carcinoma; Hereditary breast cancer. Identifiers: Orphanet 227535, MedGen C0346153, MONDO:0016419, OMIM 114480. Disease mechanism: loss of function.

Submission:

Labcorp Genetics (formerly Invitae), Labcorp
Classification: Pathogenic for Familial cancer of breast. Last evaluated: 2022-03-26. Review status: criteria provided, single submitter. Criteria: Invitae Variant Classification Sherloc (09022015). Collection method: clinical testing. Allele origin: germline.
Comment: This variant is a gross deletion of the genomic region encompassing exons 2-13 of the CHEK2 gene, which includes the initiator codon. This deletion extends beyond the assayed region for this gene and therefore may encompass additional genes. It is expected to result in an absent or disrupted protein product. Loss-of-function variants in CHEK2 are known to be pathogenic (PMID: 21876083, 24713400). For these reasons, this variant has been classified as Pathogenic. This variant has not been reported in the literature in individuals affected with CHEK2-related conditions.

Literature cited by the submitters: PubMed 21876083; PubMed 24713400.